The following is an entry in ClinVar:

ClinVar aggregate classification (germline): Pathogenic. Review status: criteria provided, multiple submitters, no conflicts (2 of 4 stars). 2 submissions from 2 submitters: Pathogenic (2). Last evaluated 2023-05-03.

Conditions:
Familial adenomatous polyposis 1 (FAP1). Also called: FAMILIAL ADENOMATOUS POLYPOSIS 1, ATTENUATED; POLYPOSIS, ADENOMATOUS INTESTINAL. Identifiers: MedGen C2713442, MONDO:0021056, OMIM 175100. Disease mechanism: loss of function.

Submissions (2):

Myriad Genetics, Inc.
Classification: Pathogenic for Familial adenomatous polyposis 1. Last evaluated: 2023-05-03. Review status: criteria provided, single submitter. Criteria: Myriad Autosomal Dominant, Autosomal Recessive and X-Linked Classification Criteria (2023). Collection method: clinical testing. Allele origin: unknown.
Comment: This variant is considered pathogenic. This variant creates a frameshift predicted to result in premature protein truncation.

Labcorp Genetics (formerly Invitae), Labcorp
Classification: Pathogenic for Familial adenomatous polyposis 1. Last evaluated: 2016-07-29. Review status: criteria provided, single submitter. Criteria: Invitae Variant Classification Sherloc (09022015). Collection method: clinical testing. Allele origin: germline.
Comment: This sequence change inserts 1 nucleotide in exon 15 of the APC mRNA (c.1759dupA), causing a frameshift at codon 587. This creates a premature translational stop signal (p.Ser587Lysfs*15) and is expected to result in an absent or disrupted protein product. While this particular variant has not been reported in the literature, loss-of-function variants in APC are known to be pathogenic (PMID: 20685668, 17963004). For these reasons, this variant has been classified as Pathogenic.

Literature cited by the submitters: PubMed 20685668 (cited by Labcorp Genetics (formerly Invitae), Labcorp); PubMed 17963004 (cited by Labcorp Genetics (formerly Invitae), Labcorp).

NM_000038.6(APC):c.1759dup (p.Ser587fs)

Gene: APC (APC regulator of Wnt signaling pathway; plus strand). Cytogenetic location: 5q22.2.
Variant type: Duplication.
Coding change: c.1759dup on transcript NM_000038.6 (MANE Select); coding-DNA position 1759, one base duplicated (A; older notation c.1759dupA).
Protein change: p.Ser587fs; shifts the reading frame from serine 587.
Molecular consequence: frameshift variant.
Genome position (GRCh38, 1-based): chr5:112,834,966, A duplicated; the last of 4 consecutive A bases (chr5:112,834,963-112,834,966); duplicating any one gives the same sequence. VCF-style (leftmost placement, unchanged base first): chr5-112834962-C-CA. GRCh37 (hg19) VCF-style: chr5-112170659-C-CA.
Other names: c.1759dup, p.Ser587fs (NM_001127510.3, NM_001354895.2); c.1705dup, p.Ser569fs (NM_001127511.3); c.1813dup, p.Ser605fs (NM_001354896.2); c.1789dup, p.Ser597fs (NM_001354897.2); c.1684dup, p.Ser562fs (NM_001354898.2); c.1675dup, p.Ser559fs (NM_001354899.2); c.1636dup, p.Ser546fs (NM_001354900.2); c.1582dup, p.Ser528fs (NM_001354901.2); and 5 more; short protein forms S427fs, S496fs, S546fs, S562fs, S569fs, S597fs, S461fs, S486fs.
Identifiers: ClinVar variation 411355 (VCV000411355.46), dbSNP rs1554083100, ClinGen allele CA16611624.